The following is an entry in ClinVar:

NM_000553.6(WRN):c.1083T>A (p.Asp361Glu)

Gene: WRN (WRN RecQ like helicase; plus strand). Cytogenetic location: 8p12.
Variant type: single nucleotide variant.
Coding change: c.1083T>A on transcript NM_000553.6 (MANE Select); coding-DNA position 1083, T replaced by A.
Protein change: p.Asp361Glu; replaces aspartic acid 361 with glutamic acid.
Molecular consequence: missense variant.
Genome position (GRCh38, 1-based): chr8:31,081,110, T>A. VCF-style: chr8-31081110-T-A. GRCh37 (hg19) VCF-style: chr8-30938626-T-A.
Other names: short protein forms D361E.
Identifiers: ClinVar variation 1396859 (VCV001396859.4), dbSNP rs1198573341, ClinGen allele CA370920616.

ClinVar aggregate classification (germline): Uncertain significance (1 of 4 stars; one submission).

Conditions:
Werner syndrome (WRN). Identifiers: Orphanet 902, MedGen C0043119, MONDO:0010196, OMIM 277700.

Submission:

Labcorp Genetics (formerly Invitae), Labcorp
Classification: Uncertain significance for Werner syndrome. Last evaluated: 2021-11-05. Review status: criteria provided, single submitter. Criteria: Invitae Variant Classification Sherloc (09022015). Collection method: clinical testing. Allele origin: germline.
Comment: In summary, the available evidence is currently insufficient to determine the role of this variant in disease. Therefore, it has been classified as a Variant of Uncertain Significance. This sequence change replaces aspartic acid, which is acidic and polar, with glutamic acid, which is acidic and polar, at codon 361 of the WRN protein (p.Asp361Glu). This variant is not present in population databases (gnomAD no frequency). This variant has not been reported in the literature in individuals affected with WRN-related conditions. Algorithms developed to predict the effect of missense changes on protein structure and function are either unavailable or do not agree on the potential impact of this missense change (SIFT: "Not Available"; PolyPhen-2: "Benign"; Align-GVGD: "Not Available").